The following is an entry in ClinVar:

NM_000170.3(GLDC):c.214G>C (p.Asp72His)

Gene: GLDC (glycine decarboxylase; minus strand). Cytogenetic location: 9p24.1.
Variant type: single nucleotide variant.
Coding change: c.214G>C on transcript NM_000170.3 (MANE Select); coding-DNA position 214, G replaced by C.
Protein change: p.Asp72His; replaces aspartic acid 72 with histidine.
Molecular consequence: missense variant.
Genome position (GRCh38, 1-based): chr9:6,645,286, C>G on the plus strand (G>C on the coding strand, the complement: GLDC is on the minus strand). VCF-style: chr9-6645286-C-G. GRCh37 (hg19) VCF-style: chr9-6645286-C-G.
Other names: short protein forms D72H.
Identifiers: ClinVar variation 1957970 (VCV001957970.5), dbSNP rs1819720191, ClinGen allele CA372886450.

ClinVar aggregate classification (germline): Uncertain significance (1 of 4 stars; one submission).

Conditions:
Glycine encephalopathy. Also called: Non-ketotic hyperglycinemia; Nonketotic hyperglycinemia. Identifiers: Orphanet 407, MedGen C0751748, MONDO:0011612, HP:0008288.

Submission:

Labcorp Genetics (formerly Invitae), Labcorp
Classification: Uncertain significance for Glycine encephalopathy. Last evaluated: 2022-06-23. Review status: criteria provided, single submitter. Criteria: Invitae Variant Classification Sherloc (09022015). Collection method: clinical testing. Allele origin: germline.
Comment: In summary, the available evidence is currently insufficient to determine the role of this variant in disease. Therefore, it has been classified as a Variant of Uncertain Significance. Advanced modeling of protein sequence and biophysical properties (such as structural, functional, and spatial information, amino acid conservation, physicochemical variation, residue mobility, and thermodynamic stability) performed at Invitae indicates that this missense variant is not expected to disrupt GLDC protein function. This variant has not been reported in the literature in individuals affected with GLDC-related conditions. This variant is not present in population databases (gnomAD no frequency). This sequence change replaces aspartic acid, which is acidic and polar, with histidine, which is basic and polar, at codon 72 of the GLDC protein (p.Asp72His).